The following is an entry in ClinVar:

NM_001368882.1(COL13A1):c.2062G>C (p.Glu688Gln)

Gene: COL13A1 (collagen type XIII alpha 1 chain; plus strand). Cytogenetic location: 10q22.1.
Variant type: single nucleotide variant.
Coding change: c.2062G>C on transcript NM_001368882.1 (MANE Select); coding-DNA position 2062, G replaced by C.
Protein change: p.Glu688Gln; replaces glutamic acid 688 with glutamine.
Molecular consequence: missense variant. On other transcripts: intron variant (7).
Genome position (GRCh38, 1-based): chr10:69,952,885, G>C. VCF-style: chr10-69952885-G-C. GRCh37 (hg19) VCF-style: chr10-71712641-G-C.
Other names: c.2029G>C, p.Glu677Gln (NM_001130103.2); c.1918G>C, p.Glu640Gln (NM_001320951.2); c.1876G>C, p.Glu626Gln (NM_001368884.1); c.1849G>C, p.Glu617Gln (NM_001368895.1); c.1813G>C, p.Glu605Gln (NM_080798.4); c.1936G>C, p.Glu646Gln (NM_080800.4); c.1963G>C, p.Glu655Gln (NM_080801.4); c.1882G>C, p.Glu628Gln (NM_080802.4); and 8 more; short protein forms E640Q, E655Q, E605Q, E617Q, E688Q, E628Q, E646Q, E626Q.
Identifiers: ClinVar variation 1375193 (VCV001375193.6), dbSNP rs776339682, ClinGen allele CA209294222.

ClinVar aggregate classification (germline): Uncertain significance. Review status: criteria provided, multiple submitters, no conflicts (2 of 4 stars). 2 submissions from 2 submitters: Uncertain significance (2). Last evaluated 2022-08-22.

Conditions:
Inborn genetic diseases. Identifiers: MedGen C0950123, MeSH D030342.

Allele frequency attached by ClinVar (database versions not stated): gnomAD 0.00001; gnomAD exomes 0.00001; TOPMed 0.00002.
gnomAD v4.1: 14 of 1,550,966 alleles (0.0009%); highest among the groups gnomAD compares: Non-Finnish European, 0.0012%; no homozygotes.

Submissions (2):

Ambry Genetics
Classification: Uncertain significance for Inborn genetic diseases. Last evaluated: 2022-08-22. Review status: criteria provided, single submitter. Criteria: Ambry Variant Classification Scheme 2023. Collection method: clinical testing. Allele origin: germline.

Labcorp Genetics (formerly Invitae), Labcorp
Classification: Uncertain significance. Last evaluated: 2021-09-21. Review status: criteria provided, single submitter. Criteria: Invitae Variant Classification Sherloc (09022015). Collection method: clinical testing. Allele origin: germline.
Comment: This variant has not been reported in the literature in individuals affected with COL13A1-related conditions. This sequence change replaces glutamic acid with glutamine at codon 677 of the COL13A1 protein (p.Glu677Gln). The glutamic acid residue is highly conserved and there is a small physicochemical difference between glutamic acid and glutamine. This variant is not present in population databases (ExAC no frequency). Algorithms developed to predict the effect of missense changes on protein structure and function (SIFT, PolyPhen-2, Align-GVGD) all suggest that this variant is likely to be disruptive. In summary, the available evidence is currently insufficient to determine the role of this variant in disease. Therefore, it has been classified as a Variant of Uncertain Significance.